The following is an entry in ClinVar:

NM_001080432.3(FTO):c.189A>T (p.Lys63Asn)

Gene: FTO (FTO alpha-ketoglutarate dependent dioxygenase; plus strand). Cytogenetic location: 16q12.2.
Variant type: single nucleotide variant.
Coding change: c.189A>T on transcript NM_001080432.3 (MANE Select); coding-DNA position 189, A replaced by T.
Protein change: p.Lys63Asn; replaces lysine 63 with asparagine.
Molecular consequence: missense variant.
Genome position (GRCh38, 1-based): chr16:53,825,929, A>T. VCF-style: chr16-53825929-A-T. GRCh37 (hg19) VCF-style: chr16-53859841-A-T.
Other names: c.189A>T, p.Lys63Asn (NM_001363891.2, NM_001363894.2, NM_001363896.2 and 6 more transcripts); c.111A>T, p.Lys37Asn (NM_001363897.2); c.-325A>T (NM_001363905.2); short protein forms K37N, K63N.
Identifiers: ClinVar variation 2096095 (VCV002096095.4), dbSNP rs964883898, ClinGen allele CA396121351.
Genomic context (GRCh38, chr16:53,825,929, plus strand): 5'-GCTGAAATATCCTAAACTAATTCTCCGAGAAGCCAGCAGTGTATCTGAGGAGCTCCATAA[A>T]GAGGTTCAAGAAGCCTTTCTCACACTGCACAAGCATGGCTGCTTATTTCGGGACCTGGTT-3'
Protein context (NP_001073901.1, residues 53-73): EASSVSEELH[Lys63Asn]EVQEAFLTLH

ClinVar aggregate classification (germline): Uncertain significance (1 of 4 stars; one submission).

Submission:

Labcorp Genetics (formerly Invitae), Labcorp
Classification: Uncertain significance. Last evaluated: 2022-02-10. Review status: criteria provided, single submitter. Criteria: Invitae Variant Classification Sherloc (09022015). Collection method: clinical testing. Allele origin: germline.
Comment: This sequence change replaces lysine, which is basic and polar, with asparagine, which is neutral and polar, at codon 63 of the FTO protein (p.Lys63Asn). This variant is not present in population databases (gnomAD no frequency). This variant has not been reported in the literature in individuals affected with FTO-related conditions. Algorithms developed to predict the effect of missense changes on protein structure and function are either unavailable or do not agree on the potential impact of this missense change (SIFT: "Tolerated"; PolyPhen-2: "Possibly Damaging"; Align-GVGD: "Class C0"). In summary, the available evidence is currently insufficient to determine the role of this variant in disease. Therefore, it has been classified as a Variant of Uncertain Significance.